The following is an entry in ClinVar:

NM_032043.3(BRIP1):c.3497T>C (p.Leu1166Ser)

Gene: BRIP1 (BRCA1 interacting DNA helicase 1; minus strand). Cytogenetic location: 17q23.2.
Variant type: single nucleotide variant.
Coding change: c.3497T>C on transcript NM_032043.3 (MANE Select); coding-DNA position 3497, T replaced by C.
Protein change: p.Leu1166Ser; replaces leucine 1166 with serine.
Molecular consequence: missense variant.
Genome position (GRCh38, 1-based): chr17:61,683,549, A>G on the plus strand (T>C on the coding strand, the complement: BRIP1 is on the minus strand). VCF-style: chr17-61683549-A-G. GRCh37 (hg19) VCF-style: chr17-59760910-A-G.
Other names: short protein forms L1166S.
Identifiers: ClinVar variation 1024791 (VCV001024791.9), dbSNP rs2061304526, ClinGen allele CA400478532.

ClinVar aggregate classification (germline): Uncertain significance (1 of 4 stars; one submission).

Conditions:
Fanconi anemia complementation group J. Also called: BRIP1-Related Fanconi Anemia. Identifiers: Orphanet 84, MedGen C1836860, MONDO:0012187, OMIM 609054.
Familial cancer of breast. Also called: BREAST CANCER, FAMILIAL; hereditary breast carcinoma; Hereditary breast cancer. Identifiers: Orphanet 227535, MedGen C0346153, MONDO:0016419, OMIM 114480. Disease mechanism: loss of function.

Submission:

Labcorp Genetics (formerly Invitae), Labcorp
Classification: Uncertain significance for Familial cancer of breast; Fanconi anemia complementation group J. Last evaluated: 2020-03-22. Review status: criteria provided, single submitter. Criteria: Invitae Variant Classification Sherloc (09022015). Collection method: clinical testing. Allele origin: germline.
Comment: This sequence change replaces leucine with serine at codon 1166 of the BRIP1 protein (p.Leu1166Ser). The leucine residue is weakly conserved and there is a large physicochemical difference between leucine and serine. This variant is not present in population databases (ExAC no frequency). This variant has not been reported in the literature in individuals with BRIP1-related conditions. Algorithms developed to predict the effect of missense changes on protein structure and function output the following: SIFT: "Tolerated"; PolyPhen-2: "Benign"; Align-GVGD: "Class C0". The serine amino acid residue is found in multiple mammalian species, suggesting that this missense change does not adversely affect protein function. These predictions have not been confirmed by published functional studies and their clinical significance is uncertain. In summary, the available evidence is currently insufficient to determine the role of this variant in disease. Therefore, it has been classified as a Variant of Uncertain Significance.